The following is an entry in ClinVar:

ClinVar aggregate classification (germline): Uncertain significance (1 of 4 stars; one submission).

Allele frequency attached by ClinVar (database versions not stated): ExAC 0.00001; TOPMed 0.00001.

Submission:

Labcorp Genetics (formerly Invitae), Labcorp
Classification: Uncertain significance. Last evaluated: 2025-08-11. Review status: criteria provided, single submitter. Criteria: Invitae Variant Classification Sherloc (09022015). Collection method: clinical testing. Allele origin: germline.
Comment: This sequence change replaces asparagine, which is neutral and polar, with histidine, which is basic and polar, at codon 89 of the CHCHD2 protein (p.Asn89His). This variant is present in population databases (rs777671300, gnomAD 0.0009%). This variant has not been reported in the literature in individuals affected with CHCHD2-related conditions. ClinVar contains an entry for this variant (Variation ID: 2072140). An algorithm developed to predict the effect of missense changes on protein structure and function (PolyPhen-2) suggests that this variant is likely to be tolerated. In summary, the available evidence is currently insufficient to determine the role of this variant in disease. Therefore, it has been classified as a Variant of Uncertain Significance.

NM_016139.4(CHCHD2):c.265A>C (p.Asn89His)

Gene: CHCHD2 (coiled-coil-helix-coiled-coil-helix domain containing 2; minus strand). Cytogenetic location: 7p11.2.
Variant type: single nucleotide variant.
Coding change: c.265A>C on transcript NM_016139.4 (MANE Select); coding-DNA position 265, A replaced by C.
Protein change: p.Asn89His; replaces asparagine 89 with histidine.
Molecular consequence: missense variant.
Genome position (GRCh38, 1-based): chr7:56,104,261, T>G on the plus strand (A>C on the coding strand, the complement: CHCHD2 is on the minus strand). VCF-style: chr7-56104261-T-G. GRCh37 (hg19) VCF-style: chr7-56171954-T-G.
Other names: c.265A>C, p.Asn89His (NM_001320327.2); short protein forms N89H.
Identifiers: ClinVar variation 2072140 (VCV002072140.4), dbSNP rs777671300, ClinGen allele CA4270547.